The following is an entry in ClinVar:

ClinVar aggregate classification (germline): Uncertain significance (1 of 4 stars; one submission).

Allele frequency attached by ClinVar (database versions not stated): gnomAD 0.00001.
gnomAD v4.1: 2 of 1,583,674 alleles (0.00013%); highest among the groups gnomAD compares: East Asian, 0.0045%; no homozygotes.

Submission:

Labcorp Genetics (formerly Invitae), Labcorp
Classification: Uncertain significance. Last evaluated: 2023-08-04. Review status: criteria provided, single submitter. Criteria: Invitae Variant Classification Sherloc (09022015). Collection method: clinical testing. Allele origin: germline.
Comment: This variant has not been reported in the literature in individuals affected with DNA2-related conditions. The frequency data for this variant in the population databases is considered unreliable, as metrics indicate poor data quality at this position in the gnomAD database. This sequence change replaces threonine, which is neutral and polar, with alanine, which is neutral and non-polar, at codon 318 of the DNA2 protein (p.Thr318Ala). ClinVar contains an entry for this variant (Variation ID: 2111775). In summary, the available evidence is currently insufficient to determine the role of this variant in disease. Therefore, it has been classified as a Variant of Uncertain Significance. Advanced modeling of protein sequence and biophysical properties (such as structural, functional, and spatial information, amino acid conservation, physicochemical variation, residue mobility, and thermodynamic stability) performed at Invitae indicates that this missense variant is not expected to disrupt DNA2 protein function.

NM_001080449.3(DNA2):c.952A>G (p.Thr318Ala)

Gene: DNA2 (DNA replication helicase/nuclease 2; minus strand). Cytogenetic location: 10q21.3.
Variant type: single nucleotide variant.
Coding change: c.952A>G on transcript NM_001080449.3 (MANE Select); coding-DNA position 952, A replaced by G.
Protein change: p.Thr318Ala; replaces threonine 318 with alanine.
Molecular consequence: missense variant. On other transcripts: non-coding transcript variant (1).
Genome position (GRCh38, 1-based): chr10:68,446,401, T>C on the plus strand (A>G on the coding strand, the complement: DNA2 is on the minus strand). VCF-style: chr10-68446401-T-C. GRCh37 (hg19) VCF-style: chr10-70206158-T-C.
Other names: short protein forms T318A.
Identifiers: ClinVar variation 2111775 (VCV002111775.4), dbSNP rs767760753, ClinGen allele CA376863163.